The following is an entry in ClinVar:

NM_004629.2(FANCG):c.1480+5T>G

Gene: FANCG (FA complementation group G; minus strand). Cytogenetic location: 9p13.3.
Variant type: single nucleotide variant.
Coding change: c.1480+5T>G on transcript NM_004629.2 (MANE Select); 5 bases into the intron after coding-DNA position 1480, T replaced by G.
Molecular consequence: intron variant.
Genome position (GRCh38, 1-based): chr9:35,075,274, A>C on the plus strand (T>G on the coding strand, the complement: FANCG is on the minus strand). VCF-style: chr9-35075274-A-C. GRCh37 (hg19) VCF-style: chr9-35075271-A-C.
Identifiers: ClinVar variation 526431 (VCV000526431.5), dbSNP rs1554670176, ClinGen allele CA658797193.

ClinVar aggregate classification (germline): Uncertain significance. Review status: criteria provided, single submitter (1 of 4 stars). 2 submissions from 2 submitters: Uncertain significance (1). 1 of the submissions does not count toward it. Last evaluated 2021-12-09.

Conditions:
Fanconi anemia (FA). Also called: Fanconi's anemia. Identifiers: Orphanet 84, MedGen C0015625, MeSH D005199, MONDO:0019391.
Fanconi anemia complementation group G. Also called: FANCG-Related Fanconi Anemia; Fanconi anemia group G. Identifiers: Orphanet 84, MedGen C3469527, MONDO:0013565, OMIM 614082.

Submissions (2):

Labcorp Genetics (formerly Invitae), Labcorp
Classification: Uncertain significance for Fanconi anemia. Last evaluated: 2021-12-09. Review status: criteria provided, single submitter. Criteria: Invitae Variant Classification Sherloc (09022015). Collection method: clinical testing. Allele origin: germline.
Comment: This sequence change falls in intron 11 of the FANCG gene. It does not directly change the encoded amino acid sequence of the FANCG protein. It affects a nucleotide within the consensus splice site. This variant is not present in population databases (gnomAD no frequency). This variant has not been reported in the literature in individuals affected with FANCG-related conditions. ClinVar contains an entry for this variant (Variation ID: 526431). Variants that disrupt the consensus splice site are a relatively common cause of aberrant splicing (PMID: 17576681, 9536098). Algorithms developed to predict the effect of sequence changes on RNA splicing suggest that this variant may create or strengthen a splice site. In summary, the available evidence is currently insufficient to determine the role of this variant in disease. Therefore, it has been classified as a Variant of Uncertain Significance.

Natera, Inc.
Classification: Uncertain significance for Fanconi anemia group G. Last evaluated: 2020-12-16. Review status: no assertion criteria provided. Collection method: clinical testing. Allele origin: germline. Not counted in ClinVar's aggregate classification.

Literature cited by the submitters: PubMed 17576681 (cited by Labcorp Genetics (formerly Invitae), Labcorp); PubMed 9536098 (cited by Labcorp Genetics (formerly Invitae), Labcorp).